The following is an entry in ClinVar:

NM_033453.4(ITPA):c.411+5G>A

Genes: ITPA (inosine triphosphatase; plus strand), LOC130065322 (ATAC-STARR-seq lymphoblastoid silent region 12615; plus strand). Cytogenetic location: 20p13.
Variant type: single nucleotide variant.
Coding change: c.411+5G>A on transcript NM_033453.4 (MANE Select); 5 bases into the intron after coding-DNA position 411, G replaced by A.
Molecular consequence: intron variant.
Genome position (GRCh38, 1-based): chr20:3,218,637, G>A. VCF-style: chr20-3218637-G-A. GRCh37 (hg19) VCF-style: chr20-3199283-G-A.
Other names: c.74+5G>A (NM_001324237.2, NM_001324238.2, NM_001324236.2 and 1 more transcripts); c.411+5G>A (NM_001324240.2); c.288+5G>A (NM_001267623.2); c.360+5G>A (NM_181493.4).
Identifiers: ClinVar variation 657778 (VCV000657778.7), dbSNP rs1299283367, ClinGen allele CA634172827.

ClinVar aggregate classification (germline): Uncertain significance (1 of 4 stars; one submission).

Conditions:
Inosine triphosphatase deficiency. Also called: INOSINE TRIPHOSPHATE PYROPHOSPHOHYDROLASE DEFICIENCY. Identifiers: MedGen C0342800, MONDO:0013461, OMIM 613850.

Allele frequency attached by ClinVar (database versions not stated): gnomAD exomes below 0.00001 and 0.00001.
gnomAD v4.1: 3 of 1,604,166 alleles (0.00019%); highest among the groups gnomAD compares: Admixed American, 0.005%; no homozygotes.

Submission:

Labcorp Genetics (formerly Invitae), Labcorp
Classification: Uncertain significance for Inosine triphosphatase deficiency. Last evaluated: 2023-10-13. Review status: criteria provided, single submitter. Criteria: Invitae Variant Classification Sherloc (09022015). Collection method: clinical testing. Allele origin: germline.
Comment: This sequence change falls in intron 6 of the ITPA gene. It does not directly change the encoded amino acid sequence of the ITPA protein. It affects a nucleotide within the consensus splice site. This variant is present in population databases (no rsID available, gnomAD 0.009%). This variant has not been reported in the literature in individuals affected with ITPA-related conditions. ClinVar contains an entry for this variant (Variation ID: 657778). Variants that disrupt the consensus splice site are a relatively common cause of aberrant splicing (PMID: 17576681, 9536098). Algorithms developed to predict the effect of sequence changes on RNA splicing suggest that this variant may disrupt the consensus splice site. In summary, the available evidence is currently insufficient to determine the role of this variant in disease. Therefore, it has been classified as a Variant of Uncertain Significance.

Literature cited by the submitters: PubMed 17576681; PubMed 9536098.